The following is an entry in ClinVar:

ClinVar aggregate classification (germline): Uncertain significance (1 of 4 stars; one submission).

Conditions:
Adenylosuccinate lyase deficiency (ADSLD). Also called: ADSL DEFICIENCY. Identifiers: Orphanet 46, MedGen C0268126, MONDO:0007068, OMIM 103050.

Allele frequency attached by ClinVar (database versions not stated): gnomAD 0.00002 and 0.00003; TOPMed 0.00004.

Submission:

Labcorp Genetics (formerly Invitae), Labcorp
Classification: Uncertain significance for Adenylosuccinate lyase deficiency. Last evaluated: 2025-01-06. Review status: criteria provided, single submitter. Criteria: Invitae Variant Classification Sherloc (09022015). Collection method: clinical testing. Allele origin: germline.
Comment: This variant occurs in a non-coding region of the ADSL gene. It does not change the encoded amino acid sequence of the ADSL protein. This variant is present in population databases (rs756420450, gnomAD 0.01%). This variant has not been reported in the literature in individuals affected with ADSL-related conditions. Experimental studies and prediction algorithms are not available or were not evaluated, and the functional significance of this variant is currently unknown. In summary, the available evidence is currently insufficient to determine the role of this variant in disease. Therefore, it has been classified as a Variant of Uncertain Significance.

NC_000022.11:g.40346323C>A

Gene: ADSL (adenylosuccinate lyase; plus strand). Cytogenetic location: 22q13.1.
Variant type: single nucleotide variant.
Genome position: GRCh38 VCF-style: chr22-40346323-C-A. GRCh37 (hg19) VCF-style: chr22-40742327-C-A.
Identifiers: ClinVar variation 1411696 (VCV001411696.4), dbSNP rs756420450, ClinGen allele CA324446782.